The following is an entry in ClinVar:

ClinVar aggregate classification (germline): Likely benign (1 of 4 stars; one submission).

gnomAD v4.1: 979 of 1,586,282 alleles (0.062%); highest among the groups gnomAD compares: Non-Finnish European, 0.076%; 2 homozygotes.

Submissions (2):

CeGaT Center for Human Genetics Tuebingen
Classification: Likely benign. Last evaluated: 2026-01-01. Review status: criteria provided, single submitter. Criteria: CeGaT Center For Human Genetics Tuebingen Variant Classification Criteria Version 2. Collection method: clinical testing. Allele origin: germline. Affected: yes. Observed: 1 variant allele.
Comment: CST6: BP4, BS2

Dr. Peter K. Rogan Lab, Western University
No classification provided (evidence only). Condition: Thyroid cancer, nonmedullary, 1. Review status: no classification provided. Collection method: in vitro. Allele origin: not applicable. Functional consequence: retained intron. Not counted in ClinVar's aggregate classification.

NM_001323.4(CST6):c.240+7C>T

Gene: CST6 (cystatin E/M; plus strand). Cytogenetic location: 11q13.1.
Variant type: single nucleotide variant.
Coding change: c.240+7C>T on transcript NM_001323.4 (MANE Select); 7 bases into the intron after coding-DNA position 240, C replaced by T.
Molecular consequence: intron variant.
Genome position (GRCh38, 1-based): chr11:66,012,291, C>T. VCF-style: chr11-66012291-C-T. GRCh37 (hg19) VCF-style: chr11-65779762-C-T.
Other names: NC_000011.9:g.65779762C>T.
Identifiers: ClinVar variation 4374862 (VCV004374862.5).